The following is an entry in ClinVar:

ClinVar aggregate classification (germline): Uncertain significance. Review status: criteria provided, multiple submitters, no conflicts (2 of 4 stars). 4 submissions from 4 submitters: Uncertain significance (4). Last evaluated 2025-10-17.

Conditions:
Hereditary cancer-predisposing syndrome. Also called: Hereditary neoplastic syndrome; Neoplastic Syndromes, Hereditary; Tumor predisposition; Hereditary Cancer Syndrome. Identifiers: Orphanet 140162, MedGen C0027672, MeSH D009386, MONDO:0015356.
Fanconi anemia complementation group J. Also called: BRIP1-Related Fanconi Anemia. Identifiers: Orphanet 84, MedGen C1836860, MONDO:0012187, OMIM 609054.
Familial cancer of breast. Also called: BREAST CANCER, FAMILIAL; hereditary breast carcinoma; Hereditary breast cancer. Identifiers: Orphanet 227535, MedGen C0346153, MONDO:0016419, OMIM 114480. Disease mechanism: loss of function.

Allele frequency attached by ClinVar (database versions not stated): gnomAD exomes 0.00001 and 0.00002; ExAC 0.00002.
gnomAD v4.1: 11 of 1,613,712 alleles (0.00068%); highest among the groups gnomAD compares: South Asian, 0.0077%; no homozygotes.

Submissions (4):

Ambry Genetics
Classification: Uncertain significance for Hereditary cancer-predisposing syndrome. Last evaluated: 2025-10-17. Review status: criteria provided, single submitter. Criteria: Ambry Variant Classification Scheme 2023. Collection method: clinical testing. Allele origin: germline.
Comment: The p.S710F variant (also known as c.2129C>T), located in coding exon 14 of the BRIP1 gene, results from a C to T substitution at nucleotide position 2129. The serine at codon 710 is replaced by phenylalanine, an amino acid with highly dissimilar properties. This amino acid position is conserved. In addition, this alteration is predicted to be tolerated by in silico analysis. Since supporting evidence is limited at this time, the clinical significance of this alteration remains unclear.

Labcorp Genetics (formerly Invitae), Labcorp
Classification: Uncertain significance for Familial cancer of breast; Fanconi anemia complementation group J. Last evaluated: 2025-05-27. Review status: criteria provided, single submitter. Criteria: Invitae Variant Classification Sherloc (09022015). Collection method: clinical testing. Allele origin: germline.
Comment: This sequence change replaces serine, which is neutral and polar, with phenylalanine, which is neutral and non-polar, at codon 710 of the BRIP1 protein (p.Ser710Phe). This variant is present in population databases (rs768393936, gnomAD 0.02%). This variant has not been reported in the literature in individuals affected with BRIP1-related conditions. ClinVar contains an entry for this variant (Variation ID: 1023465). Invitae Evidence Modeling of protein sequence and biophysical properties (such as structural, functional, and spatial information, amino acid conservation, physicochemical variation, residue mobility, and thermodynamic stability) indicates that this missense variant is not expected to disrupt BRIP1 protein function with a negative predictive value of 95%. In summary, the available evidence is currently insufficient to determine the role of this variant in disease. Therefore, it has been classified as a Variant of Uncertain Significance.

Color Diagnostics, LLC DBA Color Health
Classification: Uncertain significance for Hereditary cancer-predisposing syndrome. Last evaluated: 2023-12-27. Review status: criteria provided, single submitter. Criteria: ACMG Guidelines, 2015. Collection method: clinical testing. Allele origin: germline.
Comment: This missense variant replaces serine with phenylalanine at codon 710 of the BRIP1 protein. Computational prediction suggests that this variant may not impact protein structure and function (internally defined REVEL score threshold <= 0.5, PMID: 27666373). To our knowledge, functional studies have not been reported for this variant. This variant has not been reported in individuals affected with BRIP1-related disorders in the literature. This variant has been identified in 5/251152 chromosomes in the general population by the Genome Aggregation Database (gnomAD). The available evidence is insufficient to determine the role of this variant in disease conclusively. Therefore, this variant is classified as a Variant of Uncertain Significance.

Baylor Genetics
Classification: Uncertain significance for Familial cancer of breast. Last evaluated: 2023-12-12. Review status: criteria provided, single submitter. Criteria: ACMG Guidelines, 2015. Collection method: clinical testing. Allele origin: unknown.

NM_032043.3(BRIP1):c.2129C>T (p.Ser710Phe)

Gene: BRIP1 (BRCA1 interacting DNA helicase 1; minus strand). Cytogenetic location: 17q23.2.
Variant type: single nucleotide variant.
Coding change: c.2129C>T on transcript NM_032043.3 (MANE Select); coding-DNA position 2129, C replaced by T.
Protein change: p.Ser710Phe; replaces serine 710 with phenylalanine.
Molecular consequence: missense variant.
Genome position (GRCh38, 1-based): chr17:61,744,560, G>A on the plus strand (C>T on the coding strand, the complement: BRIP1 is on the minus strand). VCF-style: chr17-61744560-G-A. GRCh37 (hg19) VCF-style: chr17-59821921-G-A.
Other names: c.2129C>T (NM_032043.2); short protein forms S710F.
Identifiers: ClinVar variation 1023465 (VCV001023465.16), dbSNP rs768393936, ClinGen allele CA8690584.